The following is an entry in ClinVar:

NM_000088.4(COL1A1):c.589-2A>G

Gene: COL1A1 (collagen type I alpha 1 chain; minus strand). Cytogenetic location: 17q21.33.
Variant type: single nucleotide variant.
Coding change: c.589-2A>G on transcript NM_000088.4 (MANE Select); the canonical splice acceptor site of the intron before coding-DNA position 589, A replaced by G.
Molecular consequence: splice acceptor variant.
Genome position (GRCh38, 1-based): chr17:50,198,004, T>C on the plus strand (A>G on the coding strand, the complement: COL1A1 is on the minus strand). VCF-style: chr17-50198004-T-C. GRCh37 (hg19) VCF-style: chr17-48275365-T-C.
Identifiers: ClinVar variation 1368306 (VCV001368306.8), dbSNP rs72667027, ClinGen allele CA291548137.
Genomic context (GRCh38, chr17:50,198,004, plus strand): 5'-CTTACTGAAGCTCCAGGCTCGCCAGGCTCACCAGGGGGACCTTGGAAGCCTTGGGGACCC[T>C]TGAGAAGAAGGAAAAAGATGGGTTAGAAGACAAGTCCCTGTCAACCTTCTCCAATCTTAC-3'

ClinVar aggregate classification (germline): Pathogenic (1 of 4 stars; one submission).

Conditions:
Osteogenesis imperfecta type I (OI1). Also called: Lobstein's Disease; OI, TYPE I; OSTEOGENESIS IMPERFECTA TARDA; OSTEOGENESIS IMPERFECTA WITH BLUE SCLERAE; Osteogenesis imperfecta type 1; Lobstein disease. Identifiers: Orphanet 216796, Orphanet 666, MedGen C0023931, MONDO:0008146, OMIM 166200. Disease mechanism: loss of function.

Submission:

Labcorp Genetics (formerly Invitae), Labcorp
Classification: Pathogenic for Osteogenesis imperfecta type I. Last evaluated: 2021-03-08. Review status: criteria provided, single submitter. Criteria: Invitae Variant Classification Sherloc (09022015). Collection method: clinical testing. Allele origin: germline.
Comment: This sequence change affects an acceptor splice site in intron 7 of the COL1A1 gene. It is expected to disrupt RNA splicing. Variants that disrupt the donor or acceptor splice site typically lead to a loss of protein function (PMID: 16199547), and loss-of-function variants in COL1A1 are known to be pathogenic (PMID: 7942841, 9295084, 9443882). This variant is not present in population databases (ExAC no frequency). This variant has been observed in individual(s) with osteogenesis imperfecta type I (PMID: 16786509). Algorithms developed to predict the effect of sequence changes on RNA splicing suggest that this variant may disrupt the consensus splice site, but this prediction has not been confirmed by published transcriptional studies. For these reasons, this variant has been classified as Pathogenic.

Literature cited by the submitters: PubMed 16199547; PubMed 7942841; PubMed 9295084; PubMed 9443882; PubMed 16786509.